The following is an entry in ClinVar:

ClinVar aggregate classification (germline): Conflicting classifications of pathogenicity. Review status: criteria provided, conflicting classifications (1 of 4 stars). 4 submissions from 4 submitters: Uncertain significance (2); Likely benign (2). Last evaluated 2026-04-24.

Conditions:
COL6A3-related disorder. Also called: COL6A3-related disorders; COL6A3-related condition.
Collagen 6-related myopathy. Identifiers: MedGen CN117976, MONDO:0100225.
Bethlem myopathy 1A. Also called: MYOPATHY, BENIGN CONGENITAL, WITH CONTRACTURES; Bethlem myopathy 1; Bethlem Muscular Dystrophy. Identifiers: Orphanet 610, MedGen CN029274, MONDO:0024530, OMIM 158810.

Allele frequency attached by ClinVar (database versions not stated): ExAC 0.00001; gnomAD 0.00003 and 0.00004; gnomAD exomes 0.00003 and 0.00008; TOPMed 0.00003.
gnomAD v4.1: 114 of 1,613,456 alleles (0.0071%); highest among the groups gnomAD compares: Non-Finnish European, 0.0092%; no homozygotes.

Submissions (4):

PreventionGenetics, part of Exact Sciences
Classification: Likely benign for COL6A3-related condition. Last evaluated: 2026-04-24. Review status: criteria provided, single submitter. Criteria: ACMG Guidelines, 2015. Collection method: clinical testing. Allele origin: germline.
Comment: This variant is classified as likely benign based on ACMG/AMP sequence variant interpretation guidelines (Richards et al. 2015 PMID: 25741868, with internal and published modifications).

Labcorp Genetics (formerly Invitae), Labcorp
Classification: Likely benign for Bethlem myopathy 1A. Last evaluated: 2025-11-18. Review status: criteria provided, single submitter. Criteria: Invitae Variant Classification Sherloc (09022015). Collection method: clinical testing. Allele origin: germline.

Illumina Laboratory Services, Illumina
Classification: Uncertain significance for Collagen VI-related myopathy. Last evaluated: 2018-01-12. Review status: criteria provided, single submitter. Criteria: ICSL Variant Classification Criteria 13 December 2019. Collection method: clinical testing. Allele origin: germline.

Eurofins Ntd Llc (ga)
Classification: Uncertain significance. Last evaluated: 2016-10-05. Review status: criteria provided, single submitter. Criteria: EGL Classification Definitions 2015. Collection method: clinical testing. Allele origin: germline. Observed: 2 variant alleles, 2 heterozygotes.

NM_004369.4(COL6A3):c.9198C>T (p.Val3066=)

Gene: COL6A3 (collagen type VI alpha 3 chain; minus strand). Cytogenetic location: 2q37.3.
Variant type: single nucleotide variant.
Coding change: c.9198C>T on transcript NM_004369.4 (MANE Select); coding-DNA position 9198, C replaced by T.
Protein change: p.Val3066=; no amino-acid change (valine 3066 retained).
Molecular consequence: synonymous variant.
Genome position (GRCh38, 1-based): chr2:237,334,657, G>A on the plus strand (C>T on the coding strand, the complement: COL6A3 is on the minus strand). VCF-style: chr2-237334657-G-A. GRCh37 (hg19) VCF-style: chr2-238243300-G-A.
Other names: c.7377C>T, p.Val2459= (NM_057166.5); c.8580C>T, p.Val2860= (NM_057167.4).
Identifiers: ClinVar variation 497592 (VCV000497592.19), dbSNP rs765101399, ClinGen allele CA2187334.